The following is an entry in ClinVar:

ClinVar aggregate classification (germline): Uncertain significance (1 of 4 stars; one submission).

Conditions:
Baller-Gerold syndrome (BGS). Also called: CRANIOSYNOSTOSIS WITH RADIAL DEFECTS. Identifiers: Orphanet 1225, MedGen C0265308, MONDO:0009039, OMIM 218600.

Submission:

Labcorp Genetics (formerly Invitae), Labcorp
Classification: Uncertain significance for Baller-Gerold syndrome. Last evaluated: 2021-03-20. Review status: criteria provided, single submitter. Criteria: Invitae Variant Classification Sherloc (09022015). Collection method: clinical testing. Allele origin: germline.
Comment: This sequence change replaces glutamic acid with aspartic acid at codon 999 of the RECQL4 protein (p.Glu999Asp). The glutamic acid residue is moderately conserved and there is a small physicochemical difference between glutamic acid and aspartic acid. This variant is not present in population databases (ExAC no frequency). This variant has not been reported in the literature in individuals with RECQL4-related conditions. Experimental studies and prediction algorithms are not available or were not evaluated, and the functional significance of this variant is currently unknown. In summary, the available evidence is currently insufficient to determine the role of this variant in disease. Therefore, it has been classified as a Variant of Uncertain Significance.

NM_004260.4(RECQL4):c.2997G>T (p.Glu999Asp)

Gene: RECQL4 (RecQ like helicase 4; minus strand). Cytogenetic location: 8q24.3.
Variant type: single nucleotide variant.
Coding change: c.2997G>T on transcript NM_004260.4 (MANE Select); coding-DNA position 2997, G replaced by T.
Protein change: p.Glu999Asp; replaces glutamic acid 999 with aspartic acid.
Molecular consequence: missense variant.
Genome position (GRCh38, 1-based): chr8:144,512,450, C>A on the plus strand (G>T on the coding strand, the complement: RECQL4 is on the minus strand). VCF-style: chr8-144512450-C-A. GRCh37 (hg19) VCF-style: chr8-145737833-C-A.
Other names: short protein forms E999D.
Identifiers: ClinVar variation 1478495 (VCV001478495.6), dbSNP rs902652277, ClinGen allele CA372672795.